The following is an entry in ClinVar:

NM_182961.4(SYNE1):c.22583A>G (p.Asp7528Gly)

Gene: SYNE1 (spectrin repeat containing nuclear envelope protein 1; minus strand). Cytogenetic location: 6q25.2.
Variant type: single nucleotide variant.
Coding change: c.22583A>G on transcript NM_182961.4 (MANE Select); coding-DNA position 22583, A replaced by G.
Protein change: p.Asp7528Gly; replaces aspartic acid 7528 with glycine.
Molecular consequence: missense variant.
Genome position (GRCh38, 1-based): chr6:152,211,500, T>C on the plus strand (A>G on the coding strand, the complement: SYNE1 is on the minus strand). VCF-style: chr6-152211500-T-C. GRCh37 (hg19) VCF-style: chr6-152532635-T-C.
Other names: c.22370A>G, p.Asp7457Gly (NM_033071.5); short protein forms D7457G, D7528G.
Identifiers: ClinVar variation 5039728 (VCV005039728.1).

ClinVar aggregate classification (germline): Uncertain significance (1 of 4 stars; one submission).

Submission:

CeGaT Center for Human Genetics Tuebingen
Classification: Uncertain significance. Last evaluated: 2026-08-01. Review status: criteria provided, single submitter. Criteria: CeGaT Center For Human Genetics Tuebingen Variant Classification Criteria Version 2. Collection method: clinical testing. Allele origin: germline. Affected: yes. Observed: 1 variant allele.
Comment: SYNE1: PM2